The following is an entry in ClinVar:

NM_000090.4(COL3A1):c.3972A>G (p.Lys1324=)

Gene: COL3A1 (collagen type III alpha 1 chain; plus strand). Cytogenetic location: 2q32.2.
Variant type: single nucleotide variant.
Coding change: c.3972A>G on transcript NM_000090.4 (MANE Select); coding-DNA position 3972, A replaced by G.
Protein change: p.Lys1324=; no amino-acid change (lysine 1324 retained).
Molecular consequence: synonymous variant.
Genome position (GRCh38, 1-based): chr2:189,010,326, A>G. VCF-style: chr2-189010326-A-G. GRCh37 (hg19) VCF-style: chr2-189875052-A-G.
Identifiers: ClinVar variation 3386499 (VCV003386499.1).

ClinVar aggregate classification (germline): Likely benign (1 of 4 stars; one submission).

Conditions:
Ehlers-Danlos syndrome, type 4 (EDSVASC). Also called: Ehlers-Danlos syndrome vascular type; Ehlers Danlos syndrome, ecchymotic type; Ehlers Danlos syndrome, arterial type; Ehlers Danlos syndrome, Sack-Barabas type; Ehlers-Danlos Syndrome Type IV. Identifiers: Orphanet 286, MedGen C0268338, MONDO:0017314, OMIM 130050.

gnomAD v4.1: 2 of 1,614,148 alleles (0.00012%); highest among the groups gnomAD compares: South Asian, 0.0022%; no homozygotes.

Submission:

All of Us Research Program, National Institutes of Health
Classification: Likely benign for Ehlers-Danlos syndrome, type 4. Last evaluated: 2024-07-20. Review status: criteria provided, single submitter. Criteria: ACMG Guidelines, 2015. Collection method: clinical testing. Allele origin: germline. Inheritance: Autosomal dominant inheritance. Observed: 1 variant allele, 1 heterozygote.
Comment: This study involves interpretation of variants in research participants for the purpose of population health screening. Participant phenotype was not available at the time of variant classification. Additional details can be found in publication PMID: 35346344, PMCID: PMC8962531